The following is an entry in ClinVar:

NM_020632.3(ATP6V0A4):c.2326G>A (p.Val776Ile)

Gene: ATP6V0A4 (ATPase H+ transporting V0 subunit a4; minus strand). Cytogenetic location: 7q34.
Variant type: single nucleotide variant.
Coding change: c.2326G>A on transcript NM_020632.3 (MANE Select); coding-DNA position 2326, G replaced by A.
Protein change: p.Val776Ile; replaces valine 776 with isoleucine.
Molecular consequence: missense variant.
Genome position (GRCh38, 1-based): chr7:138,709,727, C>T on the plus strand (G>A on the coding strand, the complement: ATP6V0A4 is on the minus strand). VCF-style: chr7-138709727-C-T. GRCh37 (hg19) VCF-style: chr7-138394472-C-T.
Other names: c.2326G>A, p.Val776Ile (NM_130840.3, NM_130841.3); short protein forms V776I.
Identifiers: ClinVar variation 786113 (VCV000786113.15), dbSNP rs142313541, ClinGen allele CA4504450.
Genomic context (GRCh38, chr7:138,709,727, plus strand): 5'-TGATCAGAAGGATGGCTACTGTCAGGACAGCAAATACGGCAAAAATAATAAAAACCCCGA[C>T]GATTCCTCCCCAGCCTCGCGTCTGAAGGCCGCTGTTCATCACCATAGTCCAGAGCACTTC-3'
Protein context (NP_065683.2, residues 766-786): GLQTRGWGGI[Val776Ile]GVFIIFAVFA

ClinVar aggregate classification (germline): Benign/Likely benign. Review status: criteria provided, multiple submitters, no conflicts (2 of 4 stars). 5 submissions from 5 submitters: Benign (1); Likely benign (2). 2 of the submissions do not count toward it. Last evaluated 2026-01-19.

Conditions:
ATP6V0A4-related disorder. Also called: ATP6V0A4-related condition.
Inborn genetic diseases. Identifiers: MedGen C0950123, MeSH D030342.

Allele frequency attached by ClinVar (database versions not stated): gnomAD exomes 0.00045; ExAC 0.00050; 1000 Genomes Project 0.00120; 1000 Genomes Project 30x 0.00125; TOPMed 0.00142; gnomAD 0.00153; ESP Exome Variant Server 0.00208.
gnomAD v4.1: 429 of 1,614,044 alleles (0.027%); highest among the groups gnomAD compares: African/African-American, 0.49%; 5 homozygotes.

Submissions (5):

Labcorp Genetics (formerly Invitae), Labcorp
Classification: Benign. Last evaluated: 2026-01-19. Review status: criteria provided, single submitter. Criteria: Invitae Variant Classification Sherloc (09022015). Collection method: clinical testing. Allele origin: germline.

Blueprint Genetics
Classification: Likely benign. Last evaluated: 2024-11-27. Review status: criteria provided, single submitter. Criteria: ACMG Guidelines, 2015. Collection method: clinical testing. Allele origin: germline.

Ambry Genetics
Classification: Likely benign for Inborn genetic diseases. Last evaluated: 2022-07-08. Review status: criteria provided, single submitter. Criteria: Ambry Variant Classification Scheme 2023. Collection method: clinical testing. Allele origin: germline.

Genetic Services Laboratory, University of Chicago
Classification: Likely benign. Last evaluated: 2022-11-03. Review status: no assertion criteria provided. Collection method: clinical testing. Allele origin: germline. Affected: no. Not counted in ClinVar's aggregate classification.

PreventionGenetics, part of Exact Sciences
Classification: Likely benign for ATP6V0A4-related condition. Last evaluated: 2020-09-15. Review status: no assertion criteria provided. Collection method: clinical testing. Allele origin: germline. Not counted in ClinVar's aggregate classification.
Comment: This variant is classified as likely benign based on ACMG/AMP sequence variant interpretation guidelines (Richards et al. 2015 PMID: 25741868, with internal and published modifications).